The following is an entry in ClinVar:

ClinVar aggregate classification (germline): Uncertain significance (1 of 4 stars; one submission).

Conditions:
Nemaline myopathy 2 (NEM2). Also called: Nemaline myopathy 2, autosomal recessive. Identifiers: MedGen C1850569, MONDO:0009725, OMIM 256030.

Allele frequency attached by ClinVar (database versions not stated): gnomAD exomes below 0.00001.
gnomAD v4.1: 1 of 1,612,894 alleles (0.000062%); highest among the groups gnomAD compares: Non-Finnish European, 0.000085%; no homozygotes.

Submission:

Labcorp Genetics (formerly Invitae), Labcorp
Classification: Uncertain significance for Nemaline myopathy 2. Last evaluated: 2019-12-02. Review status: criteria provided, single submitter. Criteria: Invitae Variant Classification Sherloc (09022015). Collection method: clinical testing. Allele origin: germline.
Comment: This sequence change replaces threonine with isoleucine at codon 7594 of the NEB protein (p.Thr7594Ile). The threonine residue is moderately conserved and there is a moderate physicochemical difference between threonine and isoleucine. This variant is not present in population databases (ExAC no frequency). This variant has not been reported in the literature in individuals with NEB-related conditions. Algorithms developed to predict the effect of missense changes on protein structure and function are either unavailable or do not agree on the potential impact of this missense change (SIFT: "Deleterious"; PolyPhen-2: "Not Available"; Align-GVGD: "Class C0"). In summary, the available evidence is currently insufficient to determine the role of this variant in disease. Therefore, it has been classified as a Variant of Uncertain Significance.

NM_001164508.2(NEB):c.22676C>T (p.Thr7559Ile)

Genes: NEB (nebulin; minus strand), RIF1 (replication timing regulatory factor 1; plus strand). Cytogenetic location: 2q23.3.
Variant type: single nucleotide variant.
Coding change: c.22676C>T on transcript NM_001164508.2 (MANE Select); coding-DNA position 22676, C replaced by T.
Protein change: p.Thr7559Ile; replaces threonine 7559 with isoleucine.
Molecular consequence: missense variant.
Genome position (GRCh38, 1-based): chr2:151,518,984, G>A on the plus strand (C>T on the coding strand, the complement: NEB is on the minus strand). VCF-style: chr2-151518984-G-A. GRCh37 (hg19) VCF-style: chr2-152375498-G-A.
Other names: c.22676C>T, p.Thr7559Ile (NM_001164507.2); c.22781C>T, p.Thr7594Ile (NM_001271208.2); c.17573C>T, p.Thr5858Ile (NM_004543.5); short protein forms T7594I, T5858I, T7559I.
Identifiers: ClinVar variation 856962 (VCV000856962.1), dbSNP rs2080067943, ClinGen allele CA348760315.